The following is an entry in ClinVar:

ClinVar aggregate classification (germline): Likely benign (0 of 4 stars; one submission).

Conditions:
GCC2-related disorder. Also called: GCC2-related condition.

Allele frequency attached by ClinVar (database versions not stated): ExAC 0.00057; ESP Exome Variant Server 0.00108; gnomAD 0.00134; gnomAD exomes 0.00040; 1000 Genomes Project 0.00140; 1000 Genomes Project 30x 0.00141; TOPMed 0.00165.
gnomAD v4.1: 821 of 1,604,486 alleles (0.051%); highest among the groups gnomAD compares: African/African-American, 0.3%; 3 homozygotes.

Submission:

PreventionGenetics, part of Exact Sciences
Classification: Likely benign for GCC2-related condition. Last evaluated: 2019-02-20. Review status: no assertion criteria provided. Collection method: clinical testing. Allele origin: germline.
Comment: This variant is classified as likely benign based on ACMG/AMP sequence variant interpretation guidelines (Richards et al. 2015 PMID: 25741868, with internal and published modifications).

NM_181453.4(GCC2):c.1860A>G (p.Glu620=)

Gene: GCC2 (GRIP and coiled-coil domain containing 2; plus strand). Cytogenetic location: 2q12.3.
Variant type: single nucleotide variant.
Coding change: c.1860A>G on transcript NM_181453.4 (MANE Select); coding-DNA position 1860, A replaced by G.
Protein change: p.Glu620=; no amino-acid change (glutamic acid 620 retained).
Molecular consequence: synonymous variant.
Genome position (GRCh38, 1-based): chr2:108,471,189, A>G. VCF-style: chr2-108471189-A-G. GRCh37 (hg19) VCF-style: chr2-109087645-A-G.
Other names: c.1557A>G, p.Glu519= (NM_001410194.1, NM_014635.3).
Identifiers: ClinVar variation 3046121 (VCV003046121.2), dbSNP rs139691316, ClinGen allele CA1820595.
Genomic context (GRCh38, chr2:108,471,189, plus strand): 5'-AAATAAACTGAAAAATTCCCATGAAGAAATGGATAATTTCCATAAGAAATGTGAAAGGGA[A>G]GAAAGATTGATTCTTGAACTTGGGAAGAAAGTAGAGCAAACAATCCAGTACAACAGTGAA-3'
Protein context (NP_852118.2, residues 610-630): MDNFHKKCER[Glu620=]ERLILELGKK